The following is an entry in ClinVar:

NM_022575.4(VPS16):c.2113C>G (p.Leu705Val)

Genes: PTPRA (protein tyrosine phosphatase receptor type A; plus strand), VPS16 (VPS16 core subunit of CORVET and HOPS complexes; plus strand). Cytogenetic location: 20p13.
Variant type: single nucleotide variant.
Coding change: c.2113C>G on transcript NM_022575.4 (MANE Select); coding-DNA position 2113, C replaced by G.
Protein change: p.Leu705Val; replaces leucine 705 with valine.
Molecular consequence: missense variant. On other transcripts: 5 prime UTR variant (1).
Genome position (GRCh38, 1-based): chr20:2,865,256, C>G. VCF-style: chr20-2865256-C-G. GRCh37 (hg19) VCF-style: chr20-2845902-C-G.
Other names: c.-190C>G (NM_002836.4); c.1681C>G, p.Leu561Val (NM_080413.3); short protein forms L561V, L705V.
Identifiers: ClinVar variation 2498879 (VCV002498879.26), dbSNP rs759241858, ClinGen allele CA9738006.
Genomic context (GRCh38, chr20:2,865,256, plus strand): 5'-GACGAGCTGGGGGGCCAGTTCCTAGACCTGTCTCTACATGACACAGTTACCACCCTCATT[C>G]TTGGCGGTCACAACAAGCGTGCAGAGCAGCTGGCACGTGACTTCCGCATCCCTGACAAGA-3'
Protein context (NP_072097.2, residues 695-715): SLHDTVTTLI[Leu705Val]GGHNKRAEQL

ClinVar aggregate classification (germline): Uncertain significance. Review status: criteria provided, multiple submitters, no conflicts (2 of 4 stars). 2 submissions from 2 submitters: Uncertain significance (2). Last evaluated 2024-02-27.

Conditions:
Inborn genetic diseases. Identifiers: MedGen C0950123, MeSH D030342.

Allele frequency attached by ClinVar (database versions not stated): TOPMed 0.00003; ExAC 0.00002; gnomAD exomes 0.00004; gnomAD 0.00003.
gnomAD v4.1: 64 of 1,614,090 alleles (0.004%); highest among the groups gnomAD compares: Non-Finnish European, 0.005%; no homozygotes.

Submissions (2):

Ambry Genetics
Classification: Uncertain significance for Inborn genetic diseases. Last evaluated: 2024-02-27. Review status: criteria provided, single submitter. Criteria: Ambry Variant Classification Scheme 2023. Collection method: clinical testing. Allele origin: germline.

CeGaT Center for Human Genetics Tuebingen
Classification: Uncertain significance. Last evaluated: 2023-01-01. Review status: criteria provided, single submitter. Criteria: CeGaT Center For Human Genetics Tuebingen Variant Classification Criteria Version 2. Collection method: clinical testing. Allele origin: germline. Affected: yes. Observed: 1 variant allele.
Comment: VPS16: PM2, BP4